The following is an entry in ClinVar:

ClinVar aggregate classification (germline): Benign (1 of 4 stars; one submission).

Submission:

GeneDx
Classification: Benign. Last evaluated: 2018-06-14. Review status: criteria provided, single submitter. Criteria: GeneDx Variant Classification (06012015). Collection method: clinical testing. Allele origin: germline. Affected: yes.
Comment: This variant is considered likely benign or benign based on one or more of the following criteria: it is a conservative change, it occurs at a poorly conserved position in the protein, it is predicted to be benign by multiple in silico algorithms, and/or has population frequency not consistent with disease.

NM_000238.4(KCNH2):c.77-134dup

Genes: KCNH2 (potassium voltage-gated channel subfamily H member 2; minus strand), LOC129999612 (ATAC-STARR-seq lymphoblastoid silent region 18787; plus strand). Cytogenetic location: 7q36.1.
Variant type: Duplication.
Coding change: c.77-134dup on transcript NM_000238.4 (MANE Select); 134 bases into the intron before coding-DNA position 77, one base duplicated (G; older notation c.77-134dupG).
Molecular consequence: intron variant.
Genome position (GRCh38, 1-based): chr7:150,975,075, C duplicated on the plus strand (G on the coding strand, the reverse complement: KCNH2 is on the minus strand); the first of 3 consecutive C bases (chr7:150,975,075-150,975,077); duplicating any one gives the same sequence. VCF-style (leftmost placement, unchanged base first): chr7-150975074-T-TC. GRCh37 (hg19) VCF-style: chr7-150672162-T-TC.
Other names: c.77-134dup (NM_172056.3).
Identifiers: ClinVar variation 671895 (VCV000671895.3), dbSNP rs5888422, ClinGen allele CA169090598.
Genomic context (GRCh38, chr7:150,975,074, plus strand): 5'-TCTCCACTCACACAGCCGCCCGGGGACTCCCCGCCACAGGAAGCATGGCTGGGACTGGGG[T>TC]CCCAGCAGGGGGCGAACGCAGCTGTGCGTGTGCCCCGATACAGGTGCCTGGCCGGCCGGG-3'